The following is an entry in ClinVar:

NM_002693.3(POLG):c.159_160insG (p.Gln54fs)

Genes: POLGARF (POLG alternative reading frame; minus strand), POLG (DNA polymerase gamma, catalytic subunit; minus strand). Cytogenetic location: 15q26.1.
Variant type: Insertion.
Coding change: c.159_160insG on transcript NM_002693.3 (MANE Select); coding-DNA positions 159 to 160, G inserted.
Protein change: p.Gln54fs; shifts the reading frame from glutamine 54.
Molecular consequence: frameshift variant.
Genome position: GRCh38 VCF-style: chr15-89333595-G-GC. GRCh37 (hg19) VCF-style: chr15-89876826-G-GC.
Other names: c.214_215insG, p.Thr72fs (NM_001430120.1); c.159_160insG, p.Gln54fs (NM_001126131.2); short protein forms Q54fs, T72fs.
Identifiers: ClinVar variation 5013813 (VCV005013813.1).

ClinVar aggregate classification (germline): Pathogenic (1 of 4 stars; one submission).

Conditions:
POLG-related disorder. Also called: POLG-Related Spectrum Disorders; POLG-related condition; POLG-Related Disorders. Identifiers: MedGen C4763519.

Submission:

Myriad Genetics, Inc.
Classification: Pathogenic for POLG-related disorder. Last evaluated: 2024-11-27. Review status: criteria provided, single submitter. Criteria: Myriad Autosomal Dominant, Autosomal Recessive and X-Linked Classification Criteria (2023). Collection method: clinical testing. Allele origin: unknown.
Comment: NM_002693.2(POLG):c.159_160insG(Q54Afs*190) is expected to be pathogenic in the context of POLG-related disorders. This variant is predicted to lead to an abnormal or absent protein product due to the creation of a premature termination codon in POLG, a gene where loss-of-function variants are known to be pathogenic. Please note: this variant was assessed in the context of healthy population screening.